The following is an entry in ClinVar:

ClinVar aggregate classification (germline): Benign/Likely benign. Review status: criteria provided, multiple submitters, no conflicts (2 of 4 stars). 2 submissions from 2 submitters: Benign (1); Likely benign (1). Last evaluated 2025-11-11.

Conditions:
Emery-Dreifuss muscular dystrophy 4, autosomal dominant (EDMD4). Also called: EMERY-DREIFUSS MUSCULAR DYSTROPHY 4 WITH VARIABLE FEATURES. Identifiers: Orphanet 261, MedGen C2751807, MONDO:0013071, OMIM 612998.
Autosomal recessive ataxia, Beauce type. Also called: SYNE1 Deficiency; Spinocerebellar ataxia, autosomal recessive 8; ATAXIA, RECESSIVE, OF BEAUCE; SYNE1-Related Autosomal Recessive Cerebellar Ataxia. Identifiers: Orphanet 88644, MedGen C1853116, MONDO:0012549, OMIM 610743.

Allele frequency attached by ClinVar (database versions not stated): gnomAD exomes 0.00007 and 0.00018; ExAC 0.00021; ESP Exome Variant Server 0.00077; 1000 Genomes Project 30x 0.00078; 1000 Genomes Project 0.00080; gnomAD 0.00089 and 0.00096; TOPMed 0.00097.
gnomAD v4.1: 241 of 1,610,406 alleles (0.015%); highest among the groups gnomAD compares: African/African-American, 0.29%; no homozygotes.

Submissions (2):

Labcorp Genetics (formerly Invitae), Labcorp
Classification: Benign for Emery-Dreifuss muscular dystrophy 4, autosomal dominant; Autosomal recessive ataxia, Beauce type. Last evaluated: 2025-11-11. Review status: criteria provided, single submitter. Criteria: Invitae Variant Classification Sherloc (09022015). Collection method: clinical testing. Allele origin: germline.

GeneDx
Classification: Likely benign. Last evaluated: 2017-09-26. Review status: criteria provided, single submitter. Criteria: GeneDx Variant Classification (06012015). Collection method: clinical testing. Allele origin: germline. Affected: yes.
Comment: This variant is considered likely benign or benign based on one or more of the following criteria: it is a conservative change, it occurs at a poorly conserved position in the protein, it is predicted to be benign by multiple in silico algorithms, and/or has population frequency not consistent with disease.

NM_182961.4(SYNE1):c.9507+19A>G

Gene: SYNE1 (spectrin repeat containing nuclear envelope protein 1; minus strand). Cytogenetic location: 6q25.2.
Variant type: single nucleotide variant.
Coding change: c.9507+19A>G on transcript NM_182961.4 (MANE Select); 19 bases into the intron after coding-DNA position 9507, A replaced by G.
Molecular consequence: intron variant.
Genome position (GRCh38, 1-based): chr6:152,373,018, T>C on the plus strand (A>G on the coding strand, the complement: SYNE1 is on the minus strand). VCF-style: chr6-152373018-T-C. GRCh37 (hg19) VCF-style: chr6-152694153-T-C.
Other names: c.9528+19A>G (NM_033071.5).
Identifiers: ClinVar variation 512341 (VCV000512341.10), dbSNP rs200381107, ClinGen allele CA4057310.